The following is an entry in ClinVar:

ClinVar aggregate classification (germline): Benign. Review status: criteria provided, multiple submitters, no conflicts (2 of 4 stars). 4 submissions from 3 submitters: Benign (4). Last evaluated 2018-01-13.

Conditions:
Microcephaly 9, primary, autosomal recessive. Identifiers: Orphanet 2512, MedGen C3553886, MONDO:0013923, OMIM 614852.
Seckel syndrome 5 (SCKL5). Identifiers: Orphanet 808, MedGen C3151187, MONDO:0013443, OMIM 613823.

Allele frequency attached by ClinVar (database versions not stated): 1000 Genomes Project 0.06689; 1000 Genomes Project 30x 0.07136; TOPMed 0.11986; gnomAD 0.12190 and 0.12224; gnomAD exomes 0.16993.
gnomAD v4.1: 18,759 of 152,534 alleles (12%); highest among the groups gnomAD compares: Middle Eastern, 18%; 1,548 homozygotes.

Submissions (4):

Illumina Laboratory Services, Illumina
Classification: Benign for Microcephaly 9, primary, autosomal recessive. Last evaluated: 2018-01-13. Review status: criteria provided, single submitter. Criteria: ICSL Variant Classification Criteria 13 December 2019. Collection method: clinical testing. Allele origin: germline.
Comment: This variant was observed in the ICSL laboratory as part of a predisposition screen in an ostensibly healthy population. It had not been previously curated by ICSL or reported in the Human Gene Mutation Database (HGMD: prior to June 1st, 2018), and was therefore a candidate for classification through an automated scoring system. Utilizing variant allele frequency, disease prevalence and penetrance estimates, and inheritance mode, an automated score was calculated to assess if this variant is too frequent to cause the disease. Based on the score and internal cut-off values, a variant classified as benign is not then subjected to further curation. The score for this variant resulted in a classification of benign for this disease.

Illumina Laboratory Services, Illumina
Classification: Benign for Seckel syndrome 5. Last evaluated: 2018-01-13. Review status: criteria provided, single submitter. Criteria: ICSL Variant Classification Criteria 13 December 2019. Collection method: clinical testing. Allele origin: germline.
Comment: the same text as in the submission from Illumina Laboratory Services, Illumina above.

GeneDx
Classification: Benign. Last evaluated: 2014-03-07. Review status: criteria provided, single submitter. Criteria: GeneDx Variant Classification (06012015). Collection method: clinical testing. Allele origin: germline. Affected: yes.
Comment: This variant is considered likely benign or benign based on one or more of the following criteria: it is a conservative change, it occurs at a poorly conserved position in the protein, it is predicted to be benign by multiple in silico algorithms, and/or has population frequency not consistent with disease.

Breakthrough Genomics
Classification: Benign. Review status: criteria provided, single submitter. Criteria: ACMG Guidelines, 2015. Collection method: not provided. Allele origin: germline. Inheritance: Autosomal recessive inheritance. Affected: yes.

NM_001194998.2(CEP152):c.-24A>T

Gene: CEP152 (centrosomal protein 152; minus strand). Cytogenetic location: 15q21.1.
Variant type: single nucleotide variant.
Coding change: c.-24A>T on transcript NM_001194998.2 (MANE Select); 24 bases upstream of the start codon, A replaced by T.
Molecular consequence: 5 prime UTR variant.
Genome position (GRCh38, 1-based): chr15:48,810,977, T>A on the plus strand (A>T on the coding strand, the complement: CEP152 is on the minus strand). VCF-style: chr15-48810977-T-A. GRCh37 (hg19) VCF-style: chr15-49103174-T-A.
Other names: c.-24A>T (NM_014985.4).
Identifiers: ClinVar variation 136726 (VCV000136726.6), dbSNP rs62621137, ClinGen allele CA290036.
Genomic context (GRCh38, chr15:48,810,977, plus strand): 5'-TCCTCTAACCCCAGGTCCAAGCTCACCCGTGAATCAGAACTTACCGGAGGCCACGGAGGC[T>A]GTTACCGCGAGGAAACTCTAGTCCTGGCGGAAGACCAACTTCTAGCAGATCCCCTTACCC-3'